The following is an entry in ClinVar:

NM_004168.4(SDHA):c.1065-17G>C

Gene: SDHA (succinate dehydrogenase complex flavoprotein subunit A; plus strand). Cytogenetic location: 5p15.33.
Variant type: single nucleotide variant.
Coding change: c.1065-17G>C on transcript NM_004168.4 (MANE Select); 17 bases into the intron before coding-DNA position 1065, G replaced by C.
Molecular consequence: intron variant.
Genome position (GRCh38, 1-based): chr5:235,127, G>C. VCF-style: chr5-235127-G-C. GRCh37 (hg19) VCF-style: chr5-235242-G-C.
Other names: c.1065-17G>C (NM_001330758.2); c.921-17G>C (NM_001294332.2).
Identifiers: ClinVar variation 1559155 (VCV001559155.9), dbSNP rs1268945057, ClinGen allele CA2573139514.

ClinVar aggregate classification (germline): Likely benign. Review status: criteria provided, multiple submitters, no conflicts (2 of 4 stars). 2 submissions from 2 submitters: Likely benign (2). Last evaluated 2025-03-07.

Conditions:
Pheochromocytoma/paraganglioma syndrome 5. Also called: Paragangliomas 5; SDHA-Related Hereditary Paraganglioma-Pheochromocytoma Syndrome. Identifiers: Orphanet 29072, MedGen C3279992, MONDO:0013602, OMIM 614165.
Mitochondrial complex II deficiency, nuclear type 1. Also called: SUCCINATE CoQ REDUCTASE DEFICIENCY. Identifiers: Orphanet 3208, MedGen C5700310, MONDO:0100294, OMIM 252011.

Submissions (2):

Myriad Genetics, Inc.
Classification: Likely benign for Pheochromocytoma/paraganglioma syndrome 5. Last evaluated: 2025-03-07. Review status: criteria provided, single submitter. Criteria: Myriad Autosomal Dominant, Autosomal Recessive and X-Linked Classification Criteria (2023). Collection method: clinical testing. Allele origin: unknown.
Comment: This variant is considered likely benign. This variant is intronic and is not expected to impact mRNA splicing.

Labcorp Genetics (formerly Invitae), Labcorp
Classification: Likely benign for Pheochromocytoma/paraganglioma syndrome 5; Mitochondrial complex II deficiency, nuclear type 1. Last evaluated: 2021-05-16. Review status: criteria provided, single submitter. Criteria: Invitae Variant Classification Sherloc (09022015). Collection method: clinical testing. Allele origin: germline.